The following is an entry in ClinVar:

NM_001378454.1(ALMS1):c.2935_2936del (p.Leu979fs)

Gene: ALMS1 (ALMS1 centrosome and basal body associated protein; plus strand). Cytogenetic location: 2p13.1.
Variant type: Microsatellite.
Coding change: c.2935_2936del on transcript NM_001378454.1 (MANE Select); coding-DNA positions 2935 to 2936, 2 bases deleted (CT; older notation c.2935_2936delCT).
Protein change: p.Leu979fs; shifts the reading frame from leucine 979.
Molecular consequence: frameshift variant.
Genome position (GRCh38, 1-based): chr2:73,449,462-73,449,463, CT deleted; deleting any 2 consecutive bases within chr2:73,449,459-73,449,463 gives the same sequence; the c. name uses the placement nearest the transcript's 3' end. VCF-style (leftmost placement, unchanged base first): chr2-73449458-ATC-A. GRCh37 (hg19) VCF-style: chr2-73676585-ATC-A.
Other names: c.2938_2939del, p.Leu980fs (NM_015120.4); short protein forms L979fs, L980fs.
Identifiers: ClinVar variation 1459318 (VCV001459318.6), dbSNP rs2103777026, ClinGen allele CA2580611358.

ClinVar aggregate classification (germline): Pathogenic (1 of 4 stars; one submission).

Conditions:
Alstrom syndrome (ALMS). Identifiers: Orphanet 64, MedGen C0268425, MONDO:0008763, OMIM 203800.

Submission:

Labcorp Genetics (formerly Invitae), Labcorp
Classification: Pathogenic for Alstrom syndrome. Last evaluated: 2021-08-08. Review status: criteria provided, single submitter. Criteria: Invitae Variant Classification Sherloc (09022015). Collection method: clinical testing. Allele origin: germline.
Comment: For these reasons, this variant has been classified as Pathogenic. This variant has not been reported in the literature in individuals affected with ALMS1-related conditions. This variant is not present in population databases (ExAC no frequency). This sequence change creates a premature translational stop signal (p.Leu980Glufs*10) in the ALMS1 gene. It is expected to result in an absent or disrupted protein product. Loss-of-function variants in ALMS1 are known to be pathogenic (PMID: 17594715).

Literature cited by the submitters: PubMed 17594715.